The following is an entry in ClinVar:

NM_000256.3(MYBPC3):c.1149G>T (p.Leu383=)

Gene: MYBPC3 (myosin binding protein C3; minus strand). Cytogenetic location: 11p11.2.
Variant type: single nucleotide variant.
Coding change: c.1149G>T on transcript NM_000256.3 (MANE Select); coding-DNA position 1149, G replaced by T.
Protein change: p.Leu383=; no amino-acid change (leucine 383 retained).
Molecular consequence: synonymous variant.
Genome position (GRCh38, 1-based): chr11:47,343,566, C>A on the plus strand (G>T on the coding strand, the complement: MYBPC3 is on the minus strand). VCF-style: chr11-47343566-C-A. GRCh37 (hg19) VCF-style: chr11-47365117-C-A.
Other names: c.1149G>T, p.Leu383= (LRG_386t1).
Identifiers: ClinVar variation 512441 (VCV000512441.7), dbSNP rs1407534196, ClinGen allele CA474220536.

ClinVar aggregate classification (germline): Likely benign. Review status: criteria provided, multiple submitters, no conflicts (2 of 4 stars). 4 submissions from 4 submitters: Likely benign (4). Last evaluated 2025-05-22.

Conditions:
Cardiovascular phenotype. Identifiers: MedGen CN230736.
Hypertrophic cardiomyopathy. Also called: HYPERTROPHIC MYOCARDIOPATHY. Identifiers: Orphanet 217569, MedGen C0007194, MeSH D002312, MONDO:0005045, HP:0001639.

Allele frequency attached by ClinVar (database versions not stated): TOPMed below 0.00001; gnomAD 0.00001 and 0.00002.
gnomAD v4.1: 3 of 1,612,638 alleles (0.00019%); highest among the groups gnomAD compares: African/African-American, 0.0027%; no homozygotes.

Submissions (4):

Labcorp Genetics (formerly Invitae), Labcorp
Classification: Likely benign for Hypertrophic cardiomyopathy. Last evaluated: 2025-05-22. Review status: criteria provided, single submitter. Criteria: Invitae Variant Classification Sherloc (09022015). Collection method: clinical testing. Allele origin: germline.

Ambry Genetics
Classification: Likely benign for Cardiovascular phenotype. Last evaluated: 2022-12-09. Review status: criteria provided, single submitter. Criteria: Ambry Variant Classification Scheme 2023. Collection method: clinical testing. Allele origin: germline.

GeneDx
Classification: Likely benign. Last evaluated: 2017-09-28. Review status: criteria provided, single submitter. Criteria: GeneDx Variant Classification (06012015). Collection method: clinical testing. Allele origin: germline. Affected: yes.
Comment: This variant is considered likely benign or benign based on one or more of the following criteria: it is a conservative change, it occurs at a poorly conserved position in the protein, it is predicted to be benign by multiple in silico algorithms, and/or has population frequency not consistent with disease.

Breakthrough Genomics
Classification: Likely benign. Review status: criteria provided, single submitter. Criteria: ACMG Guidelines, 2015. Collection method: not provided. Allele origin: germline. Inheritance: Autosomal dominant inheritance. Affected: yes.